The following is an entry in ClinVar:

NC_012920.1(MT-RNR1):m.1508C>T

Gene: MT-RNR1 (mitochondrially encoded 12S RNA; plus strand).
Variant type: single nucleotide variant.
Genome position: chrM-1508-C-T.
Identifiers: ClinVar variation 163988 (VCV000163988.4), dbSNP rs386828884, ClinGen allele CA176743.

ClinVar aggregate classification (germline): Likely benign (1 of 4 stars; one submission).

Submission:

Laboratory for Molecular Medicine, Mass General Brigham Personalized Medicine
Classification: Likely benign. Last evaluated: 2014-09-04. Review status: criteria provided, single submitter. Criteria: LMM Criteria. Collection method: clinical testing. Allele origin: germline. Observed: 3 variant alleles.
Comment: 1508C>T in MT-RNR1: This variant is not expected to have clinical significance b ecause it has been identified in several human phylogeny studies with haplogroup -specific frequencies ranging from 0.3% to 7.5% (hmdb/).

Literature cited by the submitters: PubMed 22852811.